The following is an entry in ClinVar:

NC_000018.9:g.(?_55335641)_(55711960_?)dup

Genes: ATP8B1 (ATPase phospholipid transporting 8B1; minus strand), NEDD4L (NEDD4 like E3 ubiquitin protein ligase; plus strand). Cytogenetic location: 18q21.31.
Variant type: Duplication.
Identifiers: ClinVar variation 3242803 (VCV003242803.1).

ClinVar aggregate classification (germline): Uncertain significance (1 of 4 stars; one submission).

Submission:

Labcorp Genetics (formerly Invitae), Labcorp
Classification: Uncertain significance. Last evaluated: 2024-01-04. Review status: criteria provided, single submitter. Criteria: Invitae Variant Classification Sherloc (09022015). Collection method: clinical testing. Allele origin: unknown.
Comment: This variant results in a copy number gain of the genomic region encompassing exon(s) 1 of the NEDD4L gene. This region includes the initiator codon of the gene. This copy number gain extends beyond the assayed region for this gene and therefore may encompass additional genes. As the precise location of this event is unknown, it may be in tandem or it may be located elsewhere in the genome. This variant has not been reported in the literature in individuals affected with NEDD4L-related conditions. In summary, the available evidence is currently insufficient to determine the role of this variant in disease. Therefore, it has been classified as a Variant of Uncertain Significance.